The following is an entry in ClinVar:

ClinVar aggregate classification (germline): Uncertain significance (1 of 4 stars; one submission).

gnomAD v4.1: 5 of 1,613,590 alleles (0.00031%); highest among the groups gnomAD compares: East Asian, 0.0089%; no homozygotes.

Submission:

Labcorp Genetics (formerly Invitae), Labcorp
Classification: Uncertain significance. Last evaluated: 2021-09-29. Review status: criteria provided, single submitter. Criteria: Invitae Variant Classification Sherloc (09022015). Collection method: clinical testing. Allele origin: germline.
Comment: This sequence change replaces alanine with serine at codon 212 of the LCA5 protein (p.Ala212Ser). The alanine residue is moderately conserved and there is a moderate physicochemical difference between alanine and serine. This variant is present in population databases (rs370574280, ExAC 0.01%). This variant has been observed in individual(s) with clinical features of Leber congenital amaurosis (PMID: 21602930). Algorithms developed to predict the effect of missense changes on protein structure and function are either unavailable or do not agree on the potential impact of this missense change (SIFT: "Tolerated"; PolyPhen-2: "Probably Damaging"; Align-GVGD: "Class C0"). In summary, the available evidence is currently insufficient to determine the role of this variant in disease. Therefore, it has been classified as a Variant of Uncertain Significance.

Literature cited by the submitters: PubMed 21602930.

NM_001122769.3(LCA5):c.634G>T (p.Ala212Ser)

Gene: LCA5 (lebercilin LCA5; minus strand). Cytogenetic location: 6q14.1.
Variant type: single nucleotide variant.
Coding change: c.634G>T on transcript NM_001122769.3 (MANE Select); coding-DNA position 634, G replaced by T.
Protein change: p.Ala212Ser; replaces alanine 212 with serine.
Molecular consequence: missense variant.
Genome position (GRCh38, 1-based): chr6:79,513,298, C>A on the plus strand (G>T on the coding strand, the complement: LCA5 is on the minus strand). VCF-style: chr6-79513298-C-A. GRCh37 (hg19) VCF-style: chr6-80223015-C-A.
Other names: c.634G>T, p.Ala212Ser (NM_181714.4); short protein forms A212S.
Identifiers: ClinVar variation 1433125 (VCV001433125.3), dbSNP rs370574280, ClinGen allele CA3901088.